The following is an entry in ClinVar:

NM_001377.3(DYNC2H1):c.3302+252G>T

Gene: DYNC2H1 (dynein cytoplasmic 2 heavy chain 1; plus strand). Cytogenetic location: 11q22.3.
Variant type: single nucleotide variant.
Coding change: c.3302+252G>T on transcript NM_001377.3 (MANE Select); 252 bases into the intron after coding-DNA position 3302, G replaced by T.
Molecular consequence: intron variant.
Genome position (GRCh38, 1-based): chr11:103,153,760, G>T. VCF-style: chr11-103153760-G-T. GRCh37 (hg19) VCF-style: chr11-103024489-G-T.
Other names: c.3302+252G>T (NM_001080463.2).
Identifiers: ClinVar variation 669444 (VCV000669444.1), dbSNP rs11225573, ClinGen allele CA227417599.

ClinVar aggregate classification (germline): Benign (1 of 4 stars; one submission).

Allele frequency attached by ClinVar (database versions not stated): 1000 Genomes Project 0.03355; 1000 Genomes Project 30x 0.03467; gnomAD 0.04834 and 0.04937; TOPMed 0.05089.
gnomAD v4.1: 7,542 of 151,850 alleles (5%); highest among the groups gnomAD compares: Non-Finnish European, 7.1%; 253 homozygotes.

Submission:

GeneDx
Classification: Benign. Last evaluated: 2018-06-19. Review status: criteria provided, single submitter. Criteria: GeneDx Variant Classification (06012015). Collection method: clinical testing. Allele origin: germline. Affected: yes.
Comment: This variant is considered likely benign or benign based on one or more of the following criteria: it is a conservative change, it occurs at a poorly conserved position in the protein, it is predicted to be benign by multiple in silico algorithms, and/or has population frequency not consistent with disease.